The following is an entry in ClinVar:

ClinVar aggregate classification (germline): Uncertain significance (1 of 4 stars; one submission).

Conditions:
POLD1-related polyposis and colorectal cancer syndrome (CRCS10). Also called: Colorectal cancer 10; COLORECTAL CANCER, SUSCEPTIBILITY TO, ON CHROMOSOME 19q; Colorectal cancer, susceptibility to, 10. Identifiers: Orphanet 220460, MedGen C2675481, MONDO:0012953, OMIM 612591.

Submission:

Labcorp Genetics (formerly Invitae), Labcorp
Classification: Uncertain significance for POLD1-related polyposis and colorectal cancer syndrome. Last evaluated: 2024-12-02. Review status: criteria provided, single submitter. Criteria: Invitae Variant Classification Sherloc (09022015). Collection method: clinical testing. Allele origin: germline.
Comment: This sequence change replaces glutamine, which is neutral and polar, with glutamic acid, which is acidic and polar, at codon 90 of the POLD1 protein (p.Gln90Glu). This variant is not present in population databases (gnomAD no frequency). This variant has not been reported in the literature in individuals affected with POLD1-related conditions. ClinVar contains an entry for this variant (Variation ID: 1060206). Invitae Evidence Modeling of protein sequence and biophysical properties (such as structural, functional, and spatial information, amino acid conservation, physicochemical variation, residue mobility, and thermodynamic stability) indicates that this missense variant is not expected to disrupt POLD1 protein function with a negative predictive value of 80%. In summary, the available evidence is currently insufficient to determine the role of this variant in disease. Therefore, it has been classified as a Variant of Uncertain Significance.

NM_002691.4(POLD1):c.268C>G (p.Gln90Glu)

Gene: POLD1 (DNA polymerase delta 1, catalytic subunit; plus strand). Cytogenetic location: 19q13.33.
Variant type: single nucleotide variant.
Coding change: c.268C>G on transcript NM_002691.4 (MANE Select); coding-DNA position 268, C replaced by G.
Protein change: p.Gln90Glu; replaces glutamine 90 with glutamic acid.
Molecular consequence: missense variant. On other transcripts: non-coding transcript variant (1).
Genome position (GRCh38, 1-based): chr19:50,399,436, C>G. VCF-style: chr19-50399436-C-G. GRCh37 (hg19) VCF-style: chr19-50902693-C-G.
Other names: c.268C>G, p.Gln90Glu (NM_001256849.1, NM_001308632.1); short protein forms Q90E.
Identifiers: ClinVar variation 1060206 (VCV001060206.9), dbSNP rs2122202990, ClinGen allele CA406970526.